The following is an entry in ClinVar:

NM_005585.5(SMAD6):c.568A>C (p.Thr190Pro)

Gene: SMAD6 (SMAD family member 6; plus strand). Cytogenetic location: 15q22.31.
Variant type: single nucleotide variant.
Coding change: c.568A>C on transcript NM_005585.5 (MANE Select); coding-DNA position 568, A replaced by C.
Protein change: p.Thr190Pro; replaces threonine 190 with proline.
Molecular consequence: missense variant. On other transcripts: non-coding transcript variant (1).
Genome position (GRCh38, 1-based): chr15:66,703,826, A>C. VCF-style: chr15-66703826-A-C. GRCh37 (hg19) VCF-style: chr15-66996164-A-C.
Other names: short protein forms T190P.
Identifiers: ClinVar variation 4825486 (VCV004825486.1).

ClinVar aggregate classification (germline): Uncertain significance (1 of 4 stars; one submission).

Conditions:
Inborn genetic diseases. Identifiers: MedGen C0950123, MeSH D030342.

Submission:

Ambry Genetics
Classification: Uncertain significance for Inborn genetic diseases. Last evaluated: 2026-02-14. Review status: criteria provided, single submitter. Criteria: Ambry Variant Classification Scheme 2023. Collection method: clinical testing. Allele origin: germline.
Comment: The p.T190P variant (also known as c.568A>C), located in coding exon 1 of the SMAD6 gene, results from an A to C substitution at nucleotide position 568. The threonine at codon 190 is replaced by proline, an amino acid with highly similar properties. This amino acid position is conserved. In addition, the in silico prediction for this alteration is inconclusive. Based on the available evidence, the clinical significance of this variant remains unclear.